The following is an entry in ClinVar:

ClinVar aggregate classification (germline): Uncertain significance (1 of 4 stars; one submission).

Conditions:
Cardiovascular phenotype. Identifiers: MedGen CN230736.

Allele frequency attached by ClinVar (database versions not stated): gnomAD 0.00001.
gnomAD v4.1: 2 of 1,613,782 alleles (0.00012%); highest among the groups gnomAD compares: Admixed American, 0.0033%; no homozygotes.

Submission:

Ambry Genetics
Classification: Uncertain significance for Cardiovascular phenotype. Last evaluated: 2019-11-21. Review status: criteria provided, single submitter. Criteria: Ambry Variant Classification Scheme 2023. Collection method: clinical testing. Allele origin: germline.
Comment: The p.H19911R variant (also known as c.59732A>G), located in coding exon 154 of the TTN gene, results from an A to G substitution at nucleotide position 59732. The histidine at codon 19911 is replaced by arginine, an amino acid with highly similar properties. This amino acid position is not well conserved in available vertebrate species. In addition, this alteration is predicted to be tolerated by in silico analysis. Since supporting evidence is limited at this time, the clinical significance of this alteration remains unclear.

NM_001267550.2(TTN):c.86927A>G (p.His28976Arg)

Genes: TTN (titin; minus strand), TTN-AS1 (TTN antisense RNA 1; plus strand). Cytogenetic location: 2q31.2.
Variant type: single nucleotide variant.
Coding change: c.86927A>G on transcript NM_001267550.2 (MANE Select); coding-DNA position 86927, A replaced by G.
Protein change: p.His28976Arg; replaces histidine 28976 with arginine.
Molecular consequence: missense variant.
Genome position (GRCh38, 1-based): chr2:178,558,532, T>C on the plus strand (A>G on the coding strand, the complement: TTN is on the minus strand). VCF-style: chr2-178558532-T-C. GRCh37 (hg19) VCF-style: chr2-179423259-T-C.
Other names: c.82004A>G, p.His27335Arg (NM_001256850.1); c.59732A>G, p.His19911Arg (NM_003319.4); c.79223A>G, p.His26408Arg (NM_133378.4); c.60107A>G, p.His20036Arg (NM_133432.3); c.60308A>G, p.His20103Arg (NM_133437.4); short protein forms H20036R, H19911R, H26408R, H20103R, H27335R, H28976R.
Identifiers: ClinVar variation 1750794 (VCV001750794.2), dbSNP rs1392632968, ClinGen allele CA349540468.
Genomic context (GRCh38, chr2:178,558,532, plus strand): 5'-TTTGCCACTGCACATTTAACCCAGTTTTTCTGTCCTTTTTCTAGTGCTTCAACGACATAG[T>C]GTACAATTCTGCTTCCGCCATCATGTTCAGGCTTCAGCCAGGTCAGGGAAACACTGTCTT-3'
Protein context (NP_001254479.2, residues 28966-28986): PEHDGGSRIV[His28976Arg]YVVEALEKGQ